The following is an entry in ClinVar:

ClinVar aggregate classification (germline): Likely benign (1 of 4 stars; one submission).

gnomAD v4.1: 20 of 1,613,246 alleles (0.0012%); highest among the groups gnomAD compares: Non-Finnish European, 0.0016%; no homozygotes.

Submission:

CeGaT Center for Human Genetics Tuebingen
Classification: Likely benign. Last evaluated: 2026-05-01. Review status: criteria provided, single submitter. Criteria: CeGaT Center For Human Genetics Tuebingen Variant Classification Criteria Version 2. Collection method: clinical testing. Allele origin: germline. Affected: yes. Observed: 1 variant allele.
Comment: SIX1: BP4, BP7

NM_005982.4(SIX1):c.90G>C (p.Leu30=)

Gene: SIX1 (SIX homeobox 1; minus strand). Cytogenetic location: 14q23.1.
Variant type: single nucleotide variant.
Coding change: c.90G>C on transcript NM_005982.4 (MANE Select); coding-DNA position 90, G replaced by C.
Protein change: p.Leu30=; no amino-acid change (leucine 30 retained).
Molecular consequence: synonymous variant.
Genome position (GRCh38, 1-based): chr14:60,649,100, C>G on the plus strand (G>C on the coding strand, the complement: SIX1 is on the minus strand). VCF-style: chr14-60649100-C-G. GRCh37 (hg19) VCF-style: chr14-61115818-C-G.
Other names: c.90G>C, p.Leu30= (NM_001425142.1).
Identifiers: ClinVar variation 4873638 (VCV004873638.2).